The following is an entry in ClinVar:

NM_144643.4(SCLT1):c.113G>T (p.Cys38Phe)

Gene: SCLT1 (sodium channel and clathrin linker 1; minus strand). Cytogenetic location: 4q28.2.
Variant type: single nucleotide variant.
Coding change: c.113G>T on transcript NM_144643.4 (MANE Select); coding-DNA position 113, G replaced by T.
Protein change: p.Cys38Phe; replaces cysteine 38 with phenylalanine.
Molecular consequence: missense variant.
Genome position (GRCh38, 1-based): chr4:129,044,041, C>A on the plus strand (G>T on the coding strand, the complement: SCLT1 is on the minus strand). VCF-style: chr4-129044041-C-A. GRCh37 (hg19) VCF-style: chr4-129965196-C-A.
Other names: c.113G>T (NM_144643.2, NM_144643.3); c.113G>T, p.Cys38Phe (NM_001300897.2, NM_001300898.2); short protein forms C38F.
Identifiers: ClinVar variation 1367831 (VCV001367831.7), dbSNP rs779281649, ClinGen allele CA3080064.

ClinVar aggregate classification (germline): Conflicting classifications of pathogenicity. Review status: criteria provided, conflicting classifications (1 of 4 stars). 4 submissions from 4 submitters: Uncertain significance (2); Benign (1); Likely benign (1). Last evaluated 2026-03-04.

Conditions:
SCLT1-related disorder. Also called: SCLT1-related condition.

Allele frequency attached by ClinVar (database versions not stated): gnomAD 0.00001; gnomAD exomes 0.00003 and 0.00012; TOPMed 0.00007; ExAC 0.00015.
gnomAD v4.1: 39 of 1,562,722 alleles (0.0025%); highest among the groups gnomAD compares: Admixed American, 0.063%; no homozygotes.

Submissions (4):

PreventionGenetics, part of Exact Sciences
Classification: Uncertain significance for SCLT1-related condition. Last evaluated: 2026-03-04. Review status: criteria provided, single submitter. Criteria: ACMG Guidelines, 2015. Collection method: clinical testing. Allele origin: germline.
Comment: The SCLT1 c.113G>T variant is predicted to result in the amino acid substitution p.Cys38Phe. To our knowledge, this variant has not been reported in the literature. This variant is reported in 0.096% of alleles in individuals of Latino descent in gnomAD. Although we suspect that this variant may be benign, at this time, the clinical significance of this variant is uncertain due to the absence of conclusive functional and genetic evidence.

Ambry Genetics
Classification: Likely benign. Last evaluated: 2025-06-11. Review status: criteria provided, single submitter. Criteria: Ambry Variant Classification Scheme 2023. Collection method: clinical testing. Allele origin: germline.

Labcorp Genetics (formerly Invitae), Labcorp
Classification: Uncertain significance. Last evaluated: 2022-10-27. Review status: criteria provided, single submitter. Criteria: Invitae Variant Classification Sherloc (09022015). Collection method: clinical testing. Allele origin: germline.
Comment: This sequence change replaces cysteine, which is neutral and slightly polar, with phenylalanine, which is neutral and non-polar, at codon 38 of the SCLT1 protein (p.Cys38Phe). This variant is present in population databases (rs779281649, gnomAD 0.1%). This variant has not been reported in the literature in individuals affected with SCLT1-related conditions. ClinVar contains an entry for this variant (Variation ID: 1367831). Algorithms developed to predict the effect of missense changes on protein structure and function output the following: SIFT: "Tolerated"; PolyPhen-2: "Benign"; Align-GVGD: "Class C0". The phenylalanine amino acid residue is found in multiple mammalian species, which suggests that this missense change does not adversely affect protein function. In summary, the available evidence is currently insufficient to determine the role of this variant in disease. Therefore, it has been classified as a Variant of Uncertain Significance.

Blueprint Genetics
Classification: Benign. Last evaluated: 2022-01-31. Review status: criteria provided, single submitter. Criteria: ACMG Guidelines, 2015. Collection method: clinical testing. Allele origin: germline.